The following is an entry in ClinVar:

ClinVar aggregate classification (germline): Benign. Review status: criteria provided, multiple submitters, no conflicts (2 of 4 stars). 2 submissions from 2 submitters: Benign (2). Last evaluated 2018-06-14.

Allele frequency attached by ClinVar (database versions not stated): TOPMed 0.02957; 1000 Genomes Project 30x 0.03873; gnomAD 0.02671 and 0.02803; gnomAD exomes 0.01004; 1000 Genomes Project 0.03554.

Submissions (2):

GeneDx
Classification: Benign. Last evaluated: 2018-06-14. Review status: criteria provided, single submitter. Criteria: GeneDx Variant Classification (06012015). Collection method: clinical testing. Allele origin: germline. Affected: yes.
Comment: This variant is considered likely benign or benign based on one or more of the following criteria: it is a conservative change, it occurs at a poorly conserved position in the protein, it is predicted to be benign by multiple in silico algorithms, and/or has population frequency not consistent with disease.

Breakthrough Genomics
Classification: Benign. Review status: criteria provided, single submitter. Criteria: ACMG Guidelines, 2015. Collection method: not provided. Allele origin: germline. Inheritance: Autosomal recessive inheritance. Affected: yes.

NM_001303.3(COX10):c.-401C>T

Genes: COX10 (cytochrome c oxidase assembly factor heme A:farnesyltransferase COX10; plus strand), COX10-DT (COX10 divergent transcript; minus strand). Cytogenetic location: 17p12.
Variant type: single nucleotide variant.
Coding change: c.-401C>T on transcript NM_001303.3; 401 bases upstream of the start codon, C replaced by T.
Genome position (GRCh38, 1-based): chr17:14,069,205, C>T. VCF-style: chr17-14069205-C-T. GRCh37 (hg19) VCF-style: chr17-13972522-C-T.
Identifiers: ClinVar variation 673119 (VCV000673119.4), dbSNP rs79128607, ClinGen allele CA288735914.
Genomic context (GRCh38, chr17:14,069,205, plus strand): 5'-AGGATCAAGCGATCCTCCCGCCTCGGTCTCCCTAAGCACTGGGATTGCAGGCGTGAGCCA[C>T]AGCGCCCGGCCGCTGTAACTTTAAATTGCCCGGGAGGACTCTGCAGCCCAACCCTGCCCA-3'